The following is an entry in ClinVar:

ClinVar aggregate classification (germline): Uncertain significance (1 of 4 stars; one submission).

Conditions:
Tuberous sclerosis 1 (TSC1). Identifiers: Orphanet 805, MedGen C1854465, MONDO:0008612, OMIM 191100.

Submission:

Labcorp Genetics (formerly Invitae), Labcorp
Classification: Uncertain significance for Tuberous sclerosis 1. Last evaluated: 2025-08-25. Review status: criteria provided, single submitter. Criteria: Invitae Variant Classification Sherloc (09022015). Collection method: clinical testing. Allele origin: germline.
Comment: This sequence change replaces threonine, which is neutral and polar, with alanine, which is neutral and non-polar, at codon 393 of the TSC1 protein (p.Thr393Ala). This variant is not present in population databases (gnomAD no frequency). This variant has not been reported in the literature in individuals affected with TSC1-related conditions. ClinVar contains an entry for this variant (Variation ID: 2046137). Invitae Evidence Modeling of protein sequence and biophysical properties (such as structural, functional, and spatial information, amino acid conservation, physicochemical variation, residue mobility, and thermodynamic stability) indicates that this missense variant is not expected to disrupt TSC1 protein function with a negative predictive value of 95%. In summary, the available evidence is currently insufficient to determine the role of this variant in disease. Therefore, it has been classified as a Variant of Uncertain Significance.

NM_000368.5(TSC1):c.1177A>G (p.Thr393Ala)

Gene: TSC1 (TSC complex subunit 1; minus strand). Cytogenetic location: 9q34.13.
Variant type: single nucleotide variant.
Coding change: c.1177A>G on transcript NM_000368.5 (MANE Select); coding-DNA position 1177, A replaced by G.
Protein change: p.Thr393Ala; replaces threonine 393 with alanine.
Molecular consequence: missense variant.
Genome position (GRCh38, 1-based): chr9:132,910,657, T>C on the plus strand (A>G on the coding strand, the complement: TSC1 is on the minus strand). VCF-style: chr9-132910657-T-C. GRCh37 (hg19) VCF-style: chr9-135786044-T-C.
Other names: c.1174A>G, p.Thr392Ala (NM_001162426.2, NM_001406597.1, NM_001406608.1 and 6 more transcripts); c.1024A>G, p.Thr342Ala (NM_001162427.2, NM_001406610.1); c.814A>G, p.Thr272Ala (NM_001362177.2, NM_001406614.1, NM_001406615.1 and 5 more transcripts); c.1177A>G, p.Thr393Ala (NM_001406592.1, NM_001406593.1, NM_001406594.1 and 7 more transcripts); c.1021A>G, p.Thr341Ala (NM_001406611.1, NM_001406612.1, NM_001406613.1); c.223A>G, p.Thr75Ala (NM_001406627.1, NM_001406628.1); c.124A>G, p.Thr42Ala (NM_001406629.1, NM_001406630.1); c.811A>G, p.Thr271Ala (NM_001406620.1, NM_001406621.1, NM_001406622.1 and 2 more transcripts); and 1 more; short protein forms T272A, T341A, T42A, T271A, T342A, T392A, T393A, T75A.
Identifiers: ClinVar variation 2046137 (VCV002046137.4), dbSNP rs1845904791, ClinGen allele CA375367088.